The following is an entry in ClinVar:

NM_000287.4(PEX6):c.1109_1112del (p.Gly370fs)

Gene: PEX6 (peroxisomal biogenesis factor 6; minus strand). Cytogenetic location: 6p21.1.
Variant type: Microsatellite.
Coding change: c.1109_1112del on transcript NM_000287.4 (MANE Select); coding-DNA positions 1109 to 1112, 4 bases deleted (GAAG; older notation c.1109_1112delGAAG).
Protein change: p.Gly370fs; shifts the reading frame from glycine 370.
Molecular consequence: frameshift variant. On other transcripts: non-coding transcript variant (1).
Genome position (GRCh38, 1-based): chr6:42,974,021-42,974,024, CTTC deleted on the plus strand (GAAG on the coding strand, the reverse complement: PEX6 is on the minus strand); deleting any 4 consecutive bases within chr6:42,974,021-42,974,029 gives the same sequence; the c. name uses the placement nearest the transcript's 3' end. VCF-style (leftmost placement, unchanged base first): chr6-42974020-ACTTC-A. GRCh37 (hg19) VCF-style: chr6-42941758-ACTTC-A.
Other names: c.845_848del, p.Gly282fs (NM_001316313.2); short protein forms G370fs, G282fs.
Identifiers: ClinVar variation 1454612 (VCV001454612.6), dbSNP rs2150234919, ClinGen allele CA2580614884.
Genomic context (GRCh38, chr6:42,974,020, plus strand): 5'-CAGGTTACAAATCCCAGCTGTAGGACAGAAGGCAGCTGCATACCTGGGCAGTTTCTCTGG[ACTTC>A]CTTCCAGGATCTCTACTTGCCCAATTGTTGGCACACATAGAACATCCCCTTCCTGGACTA-3'

ClinVar aggregate classification (germline): Pathogenic (1 of 4 stars; one submission).

Conditions:
Peroxisome biogenesis disorder. Identifiers: Orphanet 79189, MedGen C1832200, MONDO:0019234. Disease mechanism: loss of function.

Submission:

Labcorp Genetics (formerly Invitae), Labcorp
Classification: Pathogenic for Peroxisome biogenesis disorder. Last evaluated: 2020-12-03. Review status: criteria provided, single submitter. Criteria: Invitae Variant Classification Sherloc (09022015). Collection method: clinical testing. Allele origin: germline.
Comment: For these reasons, this variant has been classified as Pathogenic. This variant has not been reported in the literature in individuals with PEX6-related conditions. This variant is not present in population databases (ExAC no frequency). This sequence change creates a premature translational stop signal (p.Gly370Valfs*15) in the PEX6 gene. It is expected to result in an absent or disrupted protein product. Loss-of-function variants in PEX6 are known to be pathogenic (PMID: 8670792, 19877282, 21031596).

Literature cited by the submitters: PubMed 8670792; PubMed 19877282; PubMed 21031596.